The following is an entry in ClinVar:

NM_000092.5(COL4A4):c.3470G>A (p.Gly1157Glu)

Gene: COL4A4 (collagen type IV alpha 4 chain; minus strand). Cytogenetic location: 2q36.3.
Variant type: single nucleotide variant.
Coding change: c.3470G>A on transcript NM_000092.5 (MANE Select); coding-DNA position 3470, G replaced by A.
Protein change: p.Gly1157Glu; replaces glycine 1157 with glutamic acid.
Molecular consequence: missense variant.
Genome position (GRCh38, 1-based): chr2:227,042,183, C>T on the plus strand (G>A on the coding strand, the complement: COL4A4 is on the minus strand). VCF-style: chr2-227042183-C-T. GRCh37 (hg19) VCF-style: chr2-227906899-C-T.
Other names: short protein forms G1157E.
Identifiers: ClinVar variation 3336203 (VCV003336203.2).
Genomic context (GRCh38, chr2:227,042,183, plus strand): 5'-TGGGATGGGCTTCATTTTGACTTACCTTTTATTCCCGGAGGACCTGGTATCCCTGGATCC[C>T]CCTGGAGGCCTCTTGGCCCAGGGTCTCCCATTTCTCCTGGCTGTCCCCTCAGCCCAGGCA-3'
Protein context (NP_000083.3, residues 1147-1167): MGDPGPRGLQ[Gly1157Glu]DPGIPGPPGI

ClinVar aggregate classification (germline): Conflicting classifications of pathogenicity. Review status: criteria provided, conflicting classifications (1 of 4 stars). 2 submissions from 2 submitters: Likely pathogenic (1); Uncertain significance (1). Last evaluated 2024-05-09.

Conditions:
Autosomal recessive Alport syndrome (ATS2). Also called: COL4A3-Related Nephropathy; COL4A4 Alport Syndrome and Thin Basement Membrane Nephropathy; ALPORT SYNDROME 2, AUTOSOMAL RECESSIVE; Alport syndrome type 2. Identifiers: Orphanet 63, Orphanet 88919, MedGen C4746745, MONDO:0008762, OMIM 203780.
Hematuria, benign familial, 1 (BFH1). Also called: THIN MEMBRANE NEPHROPATHY. Identifiers: MedGen CN376803, MONDO:0007709, OMIM 141200.

Submissions (2):

Fulgent Genetics
Classification: Likely pathogenic for Hematuria, benign familial, 1; Autosomal recessive Alport syndrome. Last evaluated: 2024-05-09. Review status: criteria provided, single submitter. Criteria: ACMG Guidelines, 2015. Collection method: clinical testing. Allele origin: germline.

Women's Health and Genetics/Laboratory Corporation of America, LabCorp
Classification: Uncertain significance. Last evaluated: 2024-05-03. Review status: criteria provided, single submitter. Criteria: LabCorp Variant Classification Summary - May 2015. Collection method: clinical testing. Allele origin: germline.
Comment: Variant summary: COL4A4 c.3470G>A (p.Gly1157Glu) results in a non-conservative amino acid change located in the Collagen triple helix repeat region (IPR008160) of the encoded protein sequence. Five of five in-silico tools predict a damaging effect of the variant on protein function. The variant was absent in 249446 control chromosomes. The available data on variant occurrences in the general population are insufficient to allow any conclusion about variant significance. To our knowledge, no occurrence of c.3470G>A in individuals affected with Alport Syndrome, Autosomal Recessive and no experimental evidence demonstrating its impact on protein function have been reported. No submitters have cited clinical-significance assessments for this variant to ClinVar. Based on the evidence outlined above, the variant was classified as uncertain significance.